The following is an entry in ClinVar:

NM_001844.5(COL2A1):c.3436G>A (p.Gly1146Ser)

Gene: COL2A1 (collagen type II alpha 1 chain; minus strand). Cytogenetic location: 12q13.11.
Variant type: single nucleotide variant.
Coding change: c.3436G>A on transcript NM_001844.5 (MANE Select); coding-DNA position 3436, G replaced by A.
Protein change: p.Gly1146Ser; replaces glycine 1146 with serine.
Molecular consequence: missense variant.
Genome position (GRCh38, 1-based): chr12:47,976,567, C>T on the plus strand (G>A on the coding strand, the complement: COL2A1 is on the minus strand). VCF-style: chr12-47976567-C-T. GRCh37 (hg19) VCF-style: chr12-48370350-C-T.
Other names: c.3229G>A, p.Gly1077Ser (NM_033150.3); short protein forms G1077S, G1146S.
Identifiers: ClinVar variation 1067522 (VCV001067522.10), dbSNP rs2136516927, ClinGen allele CA384537579.

ClinVar aggregate classification (germline): Pathogenic/Likely pathogenic. Review status: criteria provided, multiple submitters, no conflicts (2 of 4 stars). 2 submissions from 2 submitters: Pathogenic (1); Likely pathogenic (1). Last evaluated 2025-10-05.

Conditions:
Spondyloepiphyseal dysplasia congenita (SEDC). Also called: SED CONGENITA; SPONDYLOEPIPHYSEAL DYSPLASIA, CONGENITAL TYPE. Identifiers: Orphanet 94068, MedGen C2745959, MONDO:0008471, OMIM 183900.

Submissions (2):

Clinical Biomedical Laboratory, Shriners Hospital For Children - Canada
Classification: Pathogenic for Spondyloepiphyseal dysplasia congenita. Last evaluated: 2025-10-05. Review status: criteria provided, single submitter. Criteria: ACMG Guidelines, 2015. Collection method: clinical testing. Allele origin: germline. Affected: yes.
Comment: This variant is predicted to substitute a glycine residue by a serine, which is predicted to be deleterious to protein function (Revel 0.99). This variant is absent from the Genome Aggregation Database (v2.1.1). This specific variant has been reported in the literature (PMID 15895462) in individuals with spondyloepiphyseal dysplasia.

Labcorp Genetics (formerly Invitae), Labcorp
Classification: Likely pathogenic. Last evaluated: 2020-09-21. Review status: criteria provided, single submitter. Criteria: Invitae Variant Classification Sherloc (09022015). Collection method: clinical testing. Allele origin: germline.
Comment: Algorithms developed to predict the effect of missense changes on protein structure and function are either unavailable or do not agree on the potential impact of this missense change (SIFT: "Deleterious"; PolyPhen-2: "Not Available"; Align-GVGD: "Class C55"). This variant has not been reported in the literature in individuals with COL2A1-related conditions. This variant is not present in population databases (ExAC no frequency). This sequence change replaces glycine with serine at codon 1146 of the COL2A1 protein (p.Gly1146Ser). The glycine residue is highly conserved and there is a small physicochemical difference between glycine and serine. Glycine residues within the Gly-Xaa-Yaa repeats of the triple helix domain are required for the structure and stability of fibrillar collagens (PMID: 7695699, 8218237, 19344236). In COL2A1, missense variants at these glycine residues are significantly enriched in individuals with disease (PMID: 10612821, 26443184) compared to the general population (ExAC). In summary, this variant is a novel missense change affecting a residue that is known to be critical for normal protein structure, stability and function. This type of missense change is also highly enriched in affected individuals and expected to be pathogenic. However, without additional functional and/or genetic data, this variant has been classified as Likely Pathogenic.

Literature cited by the submitters: PubMed 15895462 (cited by Clinical Biomedical Laboratory, Shriners Hospital For Children - Canada); PubMed 7695699 (cited by Labcorp Genetics (formerly Invitae), Labcorp); PubMed 8218237 (cited by Labcorp Genetics (formerly Invitae), Labcorp); PubMed 19344236 (cited by Labcorp Genetics (formerly Invitae), Labcorp); PubMed 10612821 (cited by Labcorp Genetics (formerly Invitae), Labcorp); PubMed 26443184 (cited by Labcorp Genetics (formerly Invitae), Labcorp).